The following is an entry in ClinVar:

ClinVar aggregate classification (germline): Uncertain significance. Review status: criteria provided, multiple submitters, no conflicts (2 of 4 stars). 2 submissions from 2 submitters: Uncertain significance (2). Last evaluated 2022-09-10.

Conditions:
Myopathy, centronuclear, 5 (CNM5). Identifiers: Orphanet 169186, MedGen C4014814, MONDO:0014418, OMIM 615959.

Allele frequency attached by ClinVar (database versions not stated): ExAC 0.00015; TOPMed 0.00022; gnomAD 0.00023 and 0.00024; gnomAD exomes 0.00025; ESP Exome Variant Server 0.00064.
gnomAD v4.1: 742 of 1,613,756 alleles (0.046%); highest among the groups gnomAD compares: Non-Finnish European, 0.061%; no homozygotes.

Submissions (2):

Labcorp Genetics (formerly Invitae), Labcorp
Classification: Uncertain significance. Last evaluated: 2022-09-10. Review status: criteria provided, single submitter. Criteria: Invitae Variant Classification Sherloc (09022015). Collection method: clinical testing. Allele origin: germline.
Comment: This sequence change replaces arginine, which is basic and polar, with glutamine, which is neutral and polar, at codon 1433 of the SPEG protein (p.Arg1433Gln). This variant is present in population databases (rs200847303, gnomAD 0.05%). This variant has not been reported in the literature in individuals affected with SPEG-related conditions. ClinVar contains an entry for this variant (Variation ID: 1032370). Algorithms developed to predict the effect of missense changes on protein structure and function are either unavailable or do not agree on the potential impact of this missense change (SIFT: "Deleterious"; PolyPhen-2: "Possibly Damaging"; Align-GVGD: "Class C0"). In summary, the available evidence is currently insufficient to determine the role of this variant in disease. Therefore, it has been classified as a Variant of Uncertain Significance.

Baylor Genetics
Classification: Uncertain significance for Myopathy, centronuclear, 5. Last evaluated: 2018-01-18. Review status: criteria provided, single submitter. Criteria: ACMG Guidelines, 2015. Collection method: clinical testing. Allele origin: paternal. Affected: yes.
Comment: This variant was determined to be of uncertain significance according to ACMG Guidelines, 2015 [PMID:25741868].

NM_005876.5(SPEG):c.4298G>A (p.Arg1433Gln)

Gene: SPEG (striated muscle enriched protein kinase; plus strand). Cytogenetic location: 2q35.
Variant type: single nucleotide variant.
Coding change: c.4298G>A on transcript NM_005876.5 (MANE Select); coding-DNA position 4298, G replaced by A.
Protein change: p.Arg1433Gln; replaces arginine 1433 with glutamine.
Molecular consequence: missense variant.
Genome position (GRCh38, 1-based): chr2:219,473,754, G>A. VCF-style: chr2-219473754-G-A. GRCh37 (hg19) VCF-style: chr2-220338476-G-A.
Other names: short protein forms R1433Q.
Identifiers: ClinVar variation 1032370 (VCV001032370.4), dbSNP rs200847303, ClinGen allele CA2126467.